The following is an entry in ClinVar:

ClinVar aggregate classification (germline): Uncertain significance (1 of 4 stars; one submission).

Conditions:
Dilated cardiomyopathy 1JJ (CMD1JJ). Identifiers: Orphanet 154, MedGen C3808935, MONDO:0014095, OMIM 615235.

Allele frequency attached by ClinVar (database versions not stated): TOPMed below 0.00001.
gnomAD v4.1: 1 of 1,578,456 alleles (0.000063%); highest among the groups gnomAD compares: Non-Finnish European, 0.000087%; no homozygotes.

Submission:

Labcorp Genetics (formerly Invitae), Labcorp
Classification: Uncertain significance for Dilated cardiomyopathy 1JJ. Last evaluated: 2022-03-13. Review status: criteria provided, single submitter. Criteria: Invitae Variant Classification Sherloc (09022015). Collection method: clinical testing. Allele origin: germline.
Comment: In summary, the available evidence is currently insufficient to determine the role of this variant in disease. Therefore, it has been classified as a Variant of Uncertain Significance. Variants that disrupt the consensus splice site are a relatively common cause of aberrant splicing (PMID: 17576681, 9536098). Algorithms developed to predict the effect of sequence changes on RNA splicing suggest that this variant may disrupt the consensus splice site. This variant has not been reported in the literature in individuals affected with LAMA4-related conditions. This variant is not present in population databases (gnomAD no frequency). This sequence change affects codon 352 of the LAMA4 mRNA. It is a 'silent' change, meaning that it does not change the encoded amino acid sequence of the LAMA4 protein. This variant also falls at the last nucleotide of exon 9, which is part of the consensus splice site for this exon.

Literature cited by the submitters: PubMed 17576681; PubMed 9536098.

NM_001105206.3(LAMA4):c.1077G>A (p.Lys359=)

Gene: LAMA4 (laminin subunit alpha 4; minus strand). Cytogenetic location: 6q21.
Variant type: single nucleotide variant.
Coding change: c.1077G>A on transcript NM_001105206.3 (MANE Select); coding-DNA position 1077, G replaced by A.
Protein change: p.Lys359=; no amino-acid change (lysine 359 retained).
Molecular consequence: synonymous variant.
Genome position (GRCh38, 1-based): chr6:112,185,237, C>T on the plus strand (G>A on the coding strand, the complement: LAMA4 is on the minus strand). VCF-style: chr6-112185237-C-T. GRCh37 (hg19) VCF-style: chr6-112506439-C-T.
Other names: c.1056G>A, p.Lys352= (NM_001105207.3, NM_002290.5).
Identifiers: ClinVar variation 1918065 (VCV001918065.5), dbSNP rs1453952591, ClinGen allele CA451595042.